The following is an entry in ClinVar:

NC_000015.9:g.(?_28228471)_(28277329_?)dup

Gene: OCA2 (OCA2 melanosomal transmembrane protein; minus strand). Cytogenetic location: 15q13.1.
Variant type: Duplication.
Identifiers: ClinVar variation 1495440 (VCV001495440.5).

ClinVar aggregate classification (germline): Likely pathogenic (1 of 4 stars; one submission).

Submission:

Labcorp Genetics (formerly Invitae), Labcorp
Classification: Likely pathogenic. Last evaluated: 2022-07-06. Review status: criteria provided, single submitter. Criteria: Invitae Variant Classification Sherloc (09022015). Collection method: clinical testing. Allele origin: germline.
Comment: In summary, the currently available evidence indicates that the variant is pathogenic, but additional data are needed to prove that conclusively. Therefore, this variant has been classified as Likely Pathogenic. A similar copy number variant has been observed in individual(s) with ocular albinism (Invitae). This variant results in a copy number gain of the genomic region encompassing exon(s) 3-14 of the OCA2 gene. While the exact position of this variant cannot be determined from the data, sub-genic copy number gains are generally in tandem (PMID: 25640679). This variant is predicted to be out-of-frame, and may result in an absent or disrupted protein product. Loss-of-function variants in OCA2 are known to be pathogenic (PMID: 19865097, 21541274).

Literature cited by the submitters: PubMed 25640679; PubMed 19865097; PubMed 21541274.